The following is an entry in ClinVar:

ClinVar aggregate classification (germline): Likely benign. Review status: criteria provided, multiple submitters, no conflicts (2 of 4 stars). 3 submissions from 3 submitters: Likely benign (3). Last evaluated 2025-05-22.

Conditions:
Duane-radial ray syndrome (DRRS). Also called: Duane-Radial Ray Syndrome/Okihiro Syndrome; ACRORENOOCULAR SYNDROME; DR SYNDROME; DUANE ANOMALY WITH RADIAL RAY ABNORMALITIES AND DEAFNESS; Duane-Radial Ray Syndrome (DRRS) / Okihiro Syndrome; Okihiro Syndrome. Identifiers: Orphanet 93293, Orphanet 959, MedGen C1623209, MONDO:0011812, OMIM 607323. Disease mechanism: gain of function.

Allele frequency attached by ClinVar (database versions not stated): ExAC 0.00001; gnomAD exomes 0.00001; TOPMed 0.00001; gnomAD 0.00002.
gnomAD v4.1: 19 of 1,614,056 alleles (0.0012%); highest among the groups gnomAD compares: Admixed American, 0.0083%; no homozygotes.

Submissions (3):

Labcorp Genetics (formerly Invitae), Labcorp
Classification: Likely benign for Duane-radial ray syndrome. Last evaluated: 2025-05-22. Review status: criteria provided, single submitter. Criteria: Invitae Variant Classification Sherloc (09022015). Collection method: clinical testing. Allele origin: germline.

CeGaT Center for Human Genetics Tuebingen
Classification: Likely benign. Last evaluated: 2022-12-01. Review status: criteria provided, single submitter. Criteria: CeGaT Center For Human Genetics Tuebingen Variant Classification Criteria Version 2. Collection method: clinical testing. Allele origin: germline. Affected: yes. Observed: 1 variant allele.
Comment: SALL4: BP4, BP7

Blueprint Genetics
Classification: Likely benign. Last evaluated: 2021-11-22. Review status: criteria provided, single submitter. Criteria: ACMG Guidelines, 2015. Collection method: clinical testing. Allele origin: germline.

NM_020436.5(SALL4):c.1125C>T (p.Asp375=)

Gene: SALL4 (spalt like transcription factor 4; minus strand). Cytogenetic location: 20q13.2.
Variant type: single nucleotide variant.
Coding change: c.1125C>T on transcript NM_020436.5 (MANE Select); coding-DNA position 1125, C replaced by T.
Protein change: p.Asp375=; no amino-acid change (aspartic acid 375 retained).
Molecular consequence: synonymous variant.
Genome position (GRCh38, 1-based): chr20:51,791,358, G>A on the plus strand (C>T on the coding strand, the complement: SALL4 is on the minus strand). VCF-style: chr20-51791358-G-A. GRCh37 (hg19) VCF-style: chr20-50407897-G-A.
Other names: c.1125C>T, p.Asp375= (NM_001318031.2).
Identifiers: ClinVar variation 2414472 (VCV002414472.32), dbSNP rs781154947, ClinGen allele CA9912339.
Genomic context (GRCh38, chr20:51,791,358, plus strand): 5'-GCTATCAGTCCCAAAAACCTTGCTACAGTACTTACACTTGTGCTTGTAGAGGGCCGCCTC[G>A]TCTTTGGGTTTGACATCCACCGCGGAGATGTTCGGTGGCTTCCCCTTCCCTTTCTTGGAT-3'
Protein context (NP_065169.1, residues 365-385): NISAVDVKPK[Asp375=]EAALYKHKCK